The following is an entry in ClinVar:

NM_001903.5(CTNNA1):c.1440C>T (p.Ala480=)

Gene: CTNNA1 (catenin alpha 1; plus strand). Cytogenetic location: 5q31.2.
Variant type: single nucleotide variant.
Coding change: c.1440C>T on transcript NM_001903.5 (MANE Select); coding-DNA position 1440, C replaced by T.
Protein change: p.Ala480=; no amino-acid change (alanine 480 retained).
Molecular consequence: synonymous variant. On other transcripts: 5 prime UTR variant (5).
Genome position (GRCh38, 1-based): chr5:138,917,792, C>T. VCF-style: chr5-138917792-C-T. GRCh37 (hg19) VCF-style: chr5-138253481-C-T.
Other names: c.1440C>T, p.Ala480= (NM_001290307.3, NM_001323982.2, NM_001323983.1 and 2 more transcripts); c.1131C>T, p.Ala377= (NM_001290309.3); c.1071C>T, p.Ala357= (NM_001290310.3); c.330C>T, p.Ala110= (NM_001290312.1, NM_001323987.1, NM_001323988.1 and 17 more transcripts); c.1347C>T, p.Ala449= (NM_001323986.2); c.-10C>T (NM_001324006.1, NM_001324007.1, NM_001324008.1 and 2 more transcripts); c.237C>T, p.Ala79= (NM_001324011.1); c.87C>T, p.Ala29= (NM_001324012.1, NM_001324013.1).
Identifiers: ClinVar variation 763449 (VCV000763449.15), dbSNP rs767707498, ClinGen allele CA3431955.

ClinVar aggregate classification (germline): Benign/Likely benign. Review status: criteria provided, multiple submitters, no conflicts (2 of 4 stars). 4 submissions from 4 submitters: Benign (1); Likely benign (3). Last evaluated 2025-05-19.

Conditions:
Hereditary nonpolyposis colon cancer (HNPCC). Also called: Hereditary Nonpolyposis Colorectal Cancer Syndrome; Hereditary nonpolyposis colorectal cancer; Familial nonpolyposis colon cancer. Identifiers: Orphanet 443909, MedGen C1333990, MONDO:0018630. Disease mechanism: loss of function.
Hereditary diffuse gastric adenocarcinoma (HDGC). Also called: DIFFUSE GASTRIC AND LOBULAR BREAST CANCER SYNDROME. Identifiers: Orphanet 26106, MedGen C1708349, MONDO:0007648, OMIM 137215.
Hereditary cancer-predisposing syndrome. Also called: Tumor predisposition; Hereditary Cancer Syndrome; Neoplastic Syndromes, Hereditary; Hereditary neoplastic syndrome. Identifiers: Orphanet 140162, MedGen C0027672, MeSH D009386, MONDO:0015356.

Allele frequency attached by ClinVar (database versions not stated): ExAC 0.00001; gnomAD 0.00001.
gnomAD v4.1: 15 of 1,613,886 alleles (0.00093%); highest among the groups gnomAD compares: Non-Finnish European, 0.0013%; no homozygotes.

Submissions (4):

Labcorp Genetics (formerly Invitae), Labcorp
Classification: Likely benign. Last evaluated: 2025-05-19. Review status: criteria provided, single submitter. Criteria: Invitae Variant Classification Sherloc (09022015). Collection method: clinical testing. Allele origin: germline.

Myriad Genetics, Inc.
Classification: Benign for Hereditary diffuse gastric adenocarcinoma. Last evaluated: 2024-10-11. Review status: criteria provided, single submitter. Criteria: Myriad Autosomal Dominant, Autosomal Recessive and X-Linked Classification Criteria (2023). Collection method: clinical testing. Allele origin: unknown.
Comment: This variant is considered benign. This variant is a silent/synonymous amino acid change and it is not expected to impact splicing.

Department of Pathology and Laboratory Medicine, Sinai Health System
Classification: Likely benign for hereditary nonpolyposis colon cancer. Last evaluated: 2023-10-24. Review status: criteria provided, single submitter. Criteria: ACMG Guidelines, 2015. Collection method: clinical testing. Allele origin: germline. Affected: yes.

Ambry Genetics
Classification: Likely benign for Hereditary cancer-predisposing syndrome. Last evaluated: 2021-09-10. Review status: criteria provided, single submitter. Criteria: Ambry Variant Classification Scheme 2023. Collection method: clinical testing. Allele origin: germline.